The following is an entry in ClinVar:

NM_152564.5(VPS13B):c.999A>G (p.Leu333=)

Gene: VPS13B (vacuolar protein sorting 13 homolog B; plus strand). Cytogenetic location: 8q22.2.
Variant type: single nucleotide variant.
Coding change: c.999A>G on transcript NM_152564.5 (MANE Select); coding-DNA position 999, A replaced by G.
Protein change: p.Leu333=; no amino-acid change (leucine 333 retained).
Molecular consequence: synonymous variant. On other transcripts: non-coding transcript variant (1).
Genome position (GRCh38, 1-based): chr8:99,121,238, A>G. VCF-style: chr8-99121238-A-G. GRCh37 (hg19) VCF-style: chr8-100133466-A-G.
Other names: c.999A>G, p.Leu333= (NM_015243.3, NM_017890.5, NM_181661.3); c.999A>G (NM_152564.4).
Identifiers: ClinVar variation 765474 (VCV000765474.10), dbSNP rs762085583, ClinGen allele CA4822529.

ClinVar aggregate classification (germline): Likely benign. Review status: criteria provided, multiple submitters, no conflicts (2 of 4 stars). 2 submissions from 2 submitters: Likely benign (2). Last evaluated 2026-02-05.

Conditions:
Cohen syndrome (COH1). Also called: Cutis verticis gyrata, retinitis pigmentosa, and sensorineural deafness; PEPPER SYNDROME. Identifiers: Orphanet 193, MedGen C0265223, MONDO:0008999, OMIM 216550.
VPS13B-related disorder. Also called: VPS13B-related condition.

Allele frequency attached by ClinVar (database versions not stated): gnomAD exomes below 0.00001 and 0.00001; ExAC 0.00002.
gnomAD v4.1: 3 of 1,614,154 alleles (0.00019%); highest among the groups gnomAD compares: Admixed American, 0.0033%; no homozygotes.

Submissions (2):

PreventionGenetics, part of Exact Sciences
Classification: Likely benign for VPS13B-related condition. Last evaluated: 2026-02-05. Review status: criteria provided, single submitter. Criteria: ACMG Guidelines, 2015. Collection method: clinical testing. Allele origin: germline.
Comment: This variant is classified as likely benign based on ACMG/AMP sequence variant interpretation guidelines (Richards et al. 2015 PMID: 25741868, with internal and published modifications).

Labcorp Genetics (formerly Invitae), Labcorp
Classification: Likely benign for Cohen syndrome. Last evaluated: 2024-10-18. Review status: criteria provided, single submitter. Criteria: Invitae Variant Classification Sherloc (09022015). Collection method: clinical testing. Allele origin: germline.